The following is an entry in ClinVar:

NM_032802.4(SPPL2A):c.1370T>C (p.Leu457Pro)

Gene: SPPL2A (signal peptide peptidase like 2A; minus strand). Cytogenetic location: 15q21.2.
Variant type: single nucleotide variant.
Coding change: c.1370T>C on transcript NM_032802.4 (MANE Select); coding-DNA position 1370, T replaced by C.
Protein change: p.Leu457Pro; replaces leucine 457 with proline.
Molecular consequence: missense variant.
Genome position (GRCh38, 1-based): chr15:50,720,058, A>G on the plus strand (T>C on the coding strand, the complement: SPPL2A is on the minus strand). VCF-style: chr15-50720058-A-G. GRCh37 (hg19) VCF-style: chr15-51012255-A-G.
Other names: short protein forms L457P.
Identifiers: ClinVar variation 2785909 (VCV002785909.3), dbSNP rs778411884, ClinGen allele CA7558202.

ClinVar aggregate classification (germline): Uncertain significance (1 of 4 stars; one submission).

Allele frequency attached by ClinVar (database versions not stated): gnomAD exomes below 0.00001; ExAC 0.00001.
gnomAD v4.1: 1 of 1,613,866 alleles (0.000062%); highest among the groups gnomAD compares: Non-Finnish European, 0.000085%; no homozygotes.

Submission:

Labcorp Genetics (formerly Invitae), Labcorp
Classification: Uncertain significance. Last evaluated: 2023-02-17. Review status: criteria provided, single submitter. Criteria: Invitae Variant Classification Sherloc (09022015). Collection method: clinical testing. Allele origin: germline.
Comment: In summary, the available evidence is currently insufficient to determine the role of this variant in disease. Therefore, it has been classified as a Variant of Uncertain Significance. This sequence change replaces leucine, which is neutral and non-polar, with proline, which is neutral and non-polar, at codon 457 of the SPPL2A protein (p.Leu457Pro). This variant is present in population databases (rs778411884, gnomAD 0.0009%). This variant has not been reported in the literature in individuals affected with SPPL2A-related conditions. An algorithm developed to predict the effect of missense changes on protein structure and function (PolyPhen-2) suggests that this variant is likely to be disruptive.